The following is an entry in ClinVar:

NM_020800.3(IFT80):c.650G>A (p.Ser217Asn)

Genes: TRIM59-IFT80 (TRIM59-IFT80 readthrough (NMD candidate); minus strand), IFT80 (intraflagellar transport 80; minus strand). Cytogenetic location: 3q25.33.
Variant type: single nucleotide variant.
Coding change: c.650G>A on transcript NM_020800.3 (MANE Select); coding-DNA position 650, G replaced by A.
Protein change: p.Ser217Asn; replaces serine 217 with asparagine.
Molecular consequence: missense variant. On other transcripts: non-coding transcript variant (3).
Genome position (GRCh38, 1-based): chr3:160,356,140, C>T on the plus strand (G>A on the coding strand, the complement: IFT80 is on the minus strand). VCF-style: chr3-160356140-C-T. GRCh37 (hg19) VCF-style: chr3-160073928-C-T.
Other names: c.239G>A, p.Ser80Asn (NM_001190241.2, NM_001190242.2); c.650G>A (NM_020800.2); short protein forms S217N, S80N.
Identifiers: ClinVar variation 2415233 (VCV002415233.6), dbSNP rs556194619, ClinGen allele CA2685406.

ClinVar aggregate classification (germline): Uncertain significance. Review status: criteria provided, multiple submitters, no conflicts (2 of 4 stars). 3 submissions from 3 submitters: Uncertain significance (3). Last evaluated 2025-08-20.

Conditions:
Jeune thoracic dystrophy. Also called: Jeune syndrome; Infantile thoracic dystrophy; Thoracic pelvic phalangeal dystrophy; Jeune's syndrome; Chondroectodermal dysplasia-like syndrome; Short-rib thoracic dysplasia. Identifiers: Orphanet 474, MedGen C0265275, MONDO:0018770.
Inborn genetic diseases. Identifiers: MedGen C0950123, MeSH D030342.
Asphyxiating thoracic dystrophy 2 (SRTD2). Also called: SHORT-RIB THORACIC DYSPLASIA 2 WITH OR WITHOUT POLYDACTYLY; SHORT-RIB THORACIC DYSPLASIA 2 WITH POLYDACTYLY; SHORT-RIB THORACIC DYSPLASIA 2 WITHOUT POLYDACTYLY. Identifiers: Orphanet 474, MedGen C1970005, MONDO:0012644, OMIM 611263.

Allele frequency attached by ClinVar (database versions not stated): TOPMed 0.00002; gnomAD 0.00004; gnomAD exomes 0.00008; ExAC 0.00017; 1000 Genomes Project 0.00040; 1000 Genomes Project 30x 0.00047.
gnomAD v4.1: 122 of 1,613,312 alleles (0.0076%); highest among the groups gnomAD compares: South Asian, 0.12%; no homozygotes.

Submissions (3):

Ambry Genetics
Classification: Uncertain significance for Inborn genetic diseases. Last evaluated: 2025-08-20. Review status: criteria provided, single submitter. Criteria: Ambry Variant Classification Scheme 2023. Collection method: clinical testing. Allele origin: germline.

Fulgent Genetics
Classification: Uncertain significance for Asphyxiating thoracic dystrophy 2. Last evaluated: 2024-01-13. Review status: criteria provided, single submitter. Criteria: ACMG Guidelines, 2015. Collection method: clinical testing. Allele origin: germline.

Labcorp Genetics (formerly Invitae), Labcorp
Classification: Uncertain significance for Jeune thoracic dystrophy. Last evaluated: 2023-12-11. Review status: criteria provided, single submitter. Criteria: Invitae Variant Classification Sherloc (09022015). Collection method: clinical testing. Allele origin: germline.
Comment: This sequence change replaces serine, which is neutral and polar, with asparagine, which is neutral and polar, at codon 217 of the IFT80 protein (p.Ser217Asn). This variant is present in population databases (rs556194619, gnomAD 0.1%). This variant has not been reported in the literature in individuals affected with IFT80-related conditions. ClinVar contains an entry for this variant (Variation ID: 2415233). Advanced modeling of protein sequence and biophysical properties (such as structural, functional, and spatial information, amino acid conservation, physicochemical variation, residue mobility, and thermodynamic stability) performed at Invitae indicates that this missense variant is not expected to disrupt IFT80 protein function with a negative predictive value of 80%. In summary, the available evidence is currently insufficient to determine the role of this variant in disease. Therefore, it has been classified as a Variant of Uncertain Significance.